The following is an entry in ClinVar:

ClinVar aggregate classification (germline): Likely benign (1 of 4 stars; one submission).

Allele frequency attached by ClinVar (database versions not stated): 1000 Genomes Project 0.00459; 1000 Genomes Project 30x 0.00468; ExAC 0.00501; gnomAD exomes 0.00561; gnomAD 0.00660; ESP Exome Variant Server 0.00746; TOPMed 0.00751.

Submission:

CeGaT Center for Human Genetics Tuebingen
Classification: Likely benign. Last evaluated: 2023-01-01. Review status: criteria provided, single submitter. Criteria: CeGaT Center For Human Genetics Tuebingen Variant Classification Criteria Version 2. Collection method: clinical testing. Allele origin: germline. Affected: yes. Observed: 2 variant alleles.
Comment: SLITRK3: BP4, BS2

NM_001318810.2(SLITRK3):c.2299T>A (p.Ser767Thr)

Gene: SLITRK3 (SLIT and NTRK like family member 3; minus strand). Cytogenetic location: 3q26.1.
Variant type: single nucleotide variant.
Coding change: c.2299T>A on transcript NM_001318810.2 (MANE Select); coding-DNA position 2299, T replaced by A.
Protein change: p.Ser767Thr; replaces serine 767 with threonine.
Molecular consequence: missense variant.
Genome position (GRCh38, 1-based): chr3:165,188,532, A>T on the plus strand (T>A on the coding strand, the complement: SLITRK3 is on the minus strand). VCF-style: chr3-165188532-A-T. GRCh37 (hg19) VCF-style: chr3-164906320-A-T.
Other names: c.2299T>A, p.Ser767Thr (NM_001318811.2, NM_014926.4); short protein forms S767T.
Identifiers: ClinVar variation 2654262 (VCV002654262.24), dbSNP rs114564937, ClinGen allele CA2691827.